The following is an entry in ClinVar:

NM_000088.4(COL1A1):c.290A>G (p.Asp97Gly)

Gene: COL1A1 (collagen type I alpha 1 chain; minus strand). Cytogenetic location: 17q21.33.
Variant type: single nucleotide variant.
Coding change: c.290A>G on transcript NM_000088.4 (MANE Select); coding-DNA position 290, A replaced by G.
Protein change: p.Asp97Gly; replaces aspartic acid 97 with glycine.
Molecular consequence: missense variant.
Genome position (GRCh38, 1-based): chr17:50,199,761, T>C on the plus strand (A>G on the coding strand, the complement: COL1A1 is on the minus strand). VCF-style: chr17-50199761-T-C. GRCh37 (hg19) VCF-style: chr17-48277122-T-C.
Other names: short protein forms D97G.
Identifiers: ClinVar variation 970050 (VCV000970050.12), dbSNP rs758351823, ClinGen allele CA8645793.

ClinVar aggregate classification (germline): Conflicting classifications of pathogenicity. Review status: criteria provided, conflicting classifications (1 of 4 stars). 3 submissions from 3 submitters: Uncertain significance (2); Likely benign (1). Last evaluated 2026-04-15.

Conditions:
Osteogenesis imperfecta type I (OI1). Also called: Classic Non-deforming Osteogenesis Imperfecta with Blue Sclerae; OI, TYPE I; OSTEOGENESIS IMPERFECTA TARDA; OSTEOGENESIS IMPERFECTA WITH BLUE SCLERAE; Osteogenesis imperfecta type 1; Lobstein's Disease. Identifiers: Orphanet 216796, Orphanet 666, MedGen C0023931, MONDO:0008146, OMIM 166200. Disease mechanism: loss of function.
COL1A1-related disorder. Also called: COL1A1- related disease; COL1A1-related condition.

Allele frequency attached by ClinVar (database versions not stated): gnomAD exomes below 0.00001; ExAC 0.00001.

Submissions (3):

PreventionGenetics, part of Exact Sciences
Classification: Uncertain significance for COL1A1-related condition. Last evaluated: 2026-04-15. Review status: criteria provided, single submitter. Criteria: ACMG Guidelines, 2015. Collection method: clinical testing. Allele origin: germline.
Comment: The COL1A1 c.290A>G variant is predicted to result in the amino acid substitution p.Asp97Gly. To our knowledge, this variant has not been reported in the literature. This variant is reported in 0.0033% of alleles in individuals of South Asian descent in gnomAD. At this time, the clinical significance of this variant is uncertain due to the absence of conclusive functional and genetic evidence.

Labcorp Genetics (formerly Invitae), Labcorp
Classification: Likely benign for Osteogenesis imperfecta type I. Last evaluated: 2025-02-23. Review status: criteria provided, single submitter. Criteria: Invitae Variant Classification Sherloc (09022015). Collection method: clinical testing. Allele origin: germline.

GeneDx
Classification: Uncertain significance. Last evaluated: 2023-12-05. Review status: criteria provided, single submitter. Criteria: GeneDx Variant Classification Process June 2021. Collection method: clinical testing. Allele origin: germline. Affected: yes.
Comment: Has not been previously published as pathogenic or benign to our knowledge; Not observed at significant frequency in large population cohorts (gnomAD); In silico analysis supports that this missense variant does not alter protein structure/function; Not located in the triple helical region, where the majority of pathogenic missense variants occur (HGMD)